The following is an entry in ClinVar:

ClinVar aggregate classification (germline): Uncertain significance (1 of 4 stars; one submission).

Conditions:
Cardiovascular phenotype. Identifiers: MedGen CN230736.

Submission:

Ambry Genetics
Classification: Uncertain significance for Cardiovascular phenotype. Last evaluated: 2023-11-03. Review status: criteria provided, single submitter. Criteria: Ambry Variant Classification Scheme 2023. Collection method: clinical testing. Allele origin: germline.
Comment: The p.S3870I variant (also known as c.11609G>T), located in coding exon 17 of the ALMS1 gene, results from a G to T substitution at nucleotide position 11609. The serine at codon 3870 is replaced by isoleucine, an amino acid with dissimilar properties. This amino acid position is well conserved in available vertebrate species. In addition, this alteration is predicted to be tolerated by in silico analysis. Since supporting evidence is limited at this time, the clinical significance of this alteration remains unclear.

NM_001378454.1(ALMS1):c.11606G>T (p.Ser3869Ile)

Gene: ALMS1 (ALMS1 centrosome and basal body associated protein; plus strand). Cytogenetic location: 2p13.1.
Variant type: single nucleotide variant.
Coding change: c.11606G>T on transcript NM_001378454.1 (MANE Select); coding-DNA position 11606, G replaced by T.
Protein change: p.Ser3869Ile; replaces serine 3869 with isoleucine.
Molecular consequence: missense variant.
Genome position (GRCh38, 1-based): chr2:73,599,459, G>T. VCF-style: chr2-73599459-G-T. GRCh37 (hg19) VCF-style: chr2-73826586-G-T.
Other names: c.11609G>T, p.Ser3870Ile (NM_015120.4); short protein forms S3869I, S3870I.
Identifiers: ClinVar variation 3226577 (VCV003226577.1), dbSNP rs770849449, ClinGen allele CA347262877.